The following is an entry in ClinVar:

ClinVar aggregate classification (germline): Conflicting classifications of pathogenicity. Review status: criteria provided, conflicting classifications (1 of 4 stars). 5 submissions from 5 submitters: Likely pathogenic (1); Uncertain significance (4). Last evaluated 2026-06-12.

Conditions:
Charcot-Marie-Tooth disease type 2. Also called: Charcot-Marie-Tooth type 2. Identifiers: Orphanet 64746, MedGen C0270914, MONDO:0018993.
Cardiomyopathy (CMYO). Also called: Cardiomyopathies. Identifiers: Orphanet 167848, MedGen C0878544, MONDO:0004994, HP:0001638. Inheritance: Various modes of inheritance.
Cardiovascular phenotype. Identifiers: MedGen CN230736.
Primary dilated cardiomyopathy (DCM). Also called: Dilated Cardiomyopathy. Identifiers: Orphanet 217604, MedGen C0007193, MeSH D002311, MONDO:0005021, HP:0001644. Inheritance: Various modes of inheritance.

Allele frequency attached by ClinVar (database versions not stated): TOPMed below 0.00001; gnomAD 0.00001; gnomAD exomes 0.00001.
gnomAD v4.1: 10 of 1,611,710 alleles (0.00062%); highest among the groups gnomAD compares: African/African-American, 0.0013%; no homozygotes.

Submissions (5):

Ambry Genetics
Classification: Uncertain significance for Cardiovascular phenotype. Last evaluated: 2026-06-12. Review status: criteria provided, single submitter. Criteria: Ambry Variant Classification Scheme 2023. Collection method: clinical testing. Allele origin: germline.
Comment: The p.R439H variant (also known as c.1316G>A), located in coding exon 7 of the LMNA gene, results from a G to A substitution at nucleotide position 1316. The arginine at codon 439 is replaced by histidine, an amino acid with highly similar properties. This variant was reported in a sudden unexplained death cohort with limited clinical details provided (Lin Y et al. Circ Cardiovasc Genet, 2017 Dec;10:). This amino acid position is well conserved in available vertebrate species. In addition, this alteration is predicted to be deleterious by in silico analysis. Since supporting evidence is limited at this time, the clinical significance of this alteration remains unclear.

Labcorp Genetics (formerly Invitae), Labcorp
Classification: Likely pathogenic for Charcot-Marie-Tooth disease type 2. Last evaluated: 2026-01-11. Review status: criteria provided, single submitter. Criteria: Invitae Variant Classification Sherloc (09022015). Collection method: clinical testing. Allele origin: germline.
Comment: This sequence change replaces arginine, which is basic and polar, with histidine, which is basic and polar, at codon 439 of the LMNA protein (p.Arg439His). This variant is present in population databases (no rsID available, gnomAD 0.002%). This variant has not been reported in the literature in individuals affected with LMNA-related conditions. ClinVar contains an entry for this variant (Variation ID: 2084755). Invitae Evidence Modeling of protein sequence and biophysical properties (such as structural, functional, and spatial information, amino acid conservation, physicochemical variation, residue mobility, and thermodynamic stability) indicates that this missense variant is expected to disrupt LMNA protein function with a positive predictive value of 95%. This variant disrupts the p.Arg439 amino acid residue in LMNA. Other variant(s) that disrupt this residue have been determined to be pathogenic (PMID: 17711925, 19220582, 24623722, 34862408). This suggests that this residue is clinically significant, and that variants that disrupt this residue are likely to be disease-causing. In summary, the currently available evidence indicates that the variant is pathogenic, but additional data are needed to prove that conclusively. Therefore, this variant has been classified as Likely Pathogenic.

GeneDx
Classification: Uncertain significance. Last evaluated: 2025-07-18. Review status: criteria provided, single submitter. Criteria: GeneDx Variant Classification Process June 2021. Collection method: clinical testing. Allele origin: germline. Affected: yes.
Comment: Identified in a cohort of individuals with sudden unexplained death, however additional clinical information was not provided (PMID: 29247119); Not observed at significant frequency in large population cohorts (gnomAD); In silico analysis suggests that this missense variant does not alter protein structure/function; This variant is associated with the following publications: (PMID: 29247119, 10939567)

Color Diagnostics, LLC DBA Color Health
Classification: Uncertain significance for Cardiomyopathy. Last evaluated: 2023-06-26. Review status: criteria provided, single submitter. Criteria: ACMG Guidelines, 2015. Collection method: clinical testing. Allele origin: germline.
Comment: This missense variant replaces arginine with histidine at codon 439 of the LMNA protein. Computational prediction is inconclusive regarding the impact of this variant on protein structure and function (internally defined REVEL score threshold 0.5 < inconclusive < 0.7, PMID: 27666373). To our knowledge, functional studies have not been reported for this variant. This variant has been reported in an individual affected with sudden unexplained death (PMID: 29247119). This variant has been identified in 2/280234 chromosomes in the general population by the Genome Aggregation Database (gnomAD). The available evidence is insufficient to determine the role of this variant in disease conclusively. Therefore, this variant is classified as a Variant of Uncertain Significance.

All of Us Research Program, National Institutes of Health
Classification: Uncertain significance for Primary dilated cardiomyopathy. Last evaluated: 2023-05-31. Review status: criteria provided, single submitter. Criteria: ACMG Guidelines, 2015. Collection method: clinical testing. Allele origin: germline. Inheritance: Autosomal dominant inheritance. Observed: 1 variant allele, 1 heterozygote.
Comment: This study involves interpretation of variants in research participants for the purpose of population health screening. Participant phenotype was not available at the time of variant classification. Additional details can be found in publication PMID: 35346344, PMCID: PMC8962531

Literature cited by the submitters: PubMed 29247119 (cited by Ambry Genetics and Color Diagnostics, LLC DBA Color Health); PubMed 17711925 (cited by Labcorp Genetics (formerly Invitae), Labcorp); PubMed 19220582 (cited by Labcorp Genetics (formerly Invitae), Labcorp); PubMed 24623722 (cited by Labcorp Genetics (formerly Invitae), Labcorp); PubMed 34862408 (cited by Labcorp Genetics (formerly Invitae), Labcorp).

NM_170707.4(LMNA):c.1316G>A (p.Arg439His)

Gene: LMNA (lamin A/C; plus strand). Cytogenetic location: 1q22.
Variant type: single nucleotide variant.
Coding change: c.1316G>A on transcript NM_170707.4 (MANE Select); coding-DNA position 1316, G replaced by A.
Protein change: p.Arg439His; replaces arginine 439 with histidine.
Molecular consequence: missense variant.
Genome position (GRCh38, 1-based): chr1:156,136,372, G>A. VCF-style: chr1-156136372-G-A. GRCh37 (hg19) VCF-style: chr1-156106163-G-A.
Other names: c.758G>A, p.Arg253His (NM_001406995.1, NM_001406996.1, NM_001406997.1 and 4 more transcripts); c.980G>A, p.Arg327His (NM_001406998.1, NM_001257374.3, NM_001406989.1); c.692G>A, p.Arg231His (NM_001406999.1, NM_001407000.1, NM_001407001.1 and 1 more transcripts); c.1073G>A, p.Arg358His (NM_001282624.2, NM_001406986.1, NM_001406987.1); c.1316G>A, p.Arg439His (NM_001282625.2, NM_001282626.2, NM_001406983.1 and 6 more transcripts); c.1019G>A, p.Arg340His (NM_001406988.1); short protein forms R231H, R358H, R439H, R327H, R253H, R340H.
Identifiers: ClinVar variation 2084755 (VCV002084755.8), dbSNP rs1171976101, ClinGen allele CA342821904.